The following is an entry in ClinVar:

NM_015021.3(ZNF292):c.19G>A (p.Glu7Lys)

Genes: ZNF292 (zinc finger protein 292; plus strand), LOC129996783 (ATAC-STARR-seq lymphoblastoid active region 24794; plus strand). Cytogenetic location: 6q14.3.
Variant type: single nucleotide variant.
Coding change: c.19G>A on transcript NM_015021.3 (MANE Select); coding-DNA position 19, G replaced by A.
Protein change: p.Glu7Lys; replaces glutamic acid 7 with lysine.
Molecular consequence: missense variant. On other transcripts: 5 prime UTR variant (1).
Genome position (GRCh38, 1-based): chr6:87,155,610, G>A. VCF-style: chr6-87155610-G-A. GRCh37 (hg19) VCF-style: chr6-87865328-G-A.
Other names: c.-547G>A (NM_001351444.2); short protein forms E7K.
Identifiers: ClinVar variation 3032452 (VCV003032452.2), dbSNP rs891555279, ClinGen allele CA143176147.

ClinVar aggregate classification (germline): Uncertain significance (0 of 4 stars; one submission).

Conditions:
ZNF292-related disorder. Also called: ZNF292-related condition.

Allele frequency attached by ClinVar (database versions not stated): gnomAD 0.00001; gnomAD exomes 0.00001; TOPMed 0.00001.

Submission:

PreventionGenetics, part of Exact Sciences
Classification: Uncertain significance for ZNF292-related condition. Last evaluated: 2023-11-22. Review status: no assertion criteria provided. Collection method: clinical testing. Allele origin: germline.
Comment: The ZNF292 c.19G>A variant is predicted to result in the amino acid substitution p.Glu7Lys. To our knowledge, this variant has not been reported in the literature. This variant is reported in 0.0039% of alleles in individuals of South Asian descent in gnomAD. At this time, the clinical significance of this variant is uncertain due to the absence of conclusive functional and genetic evidence.